The following is an entry in ClinVar:

ClinVar aggregate classification (germline): Likely benign. Review status: criteria provided, multiple submitters, no conflicts (2 of 4 stars). 3 submissions from 3 submitters: Likely benign (2). 1 of the submissions does not count toward it. Last evaluated 2025-12-03.

Conditions:
ATP1A3-related disorder. Also called: ATP1A3-related condition; ATP1A3-related disorders. Identifiers: MedGen CN381097.
Dystonia 12 (DYT12). Also called: DYT-ATP1A3; Rapid-Onset Dystonia-Parkinsonism (RDP). Identifiers: Orphanet 71517, MedGen C1868681, MONDO:0007496, OMIM 128235.

Allele frequency attached by ClinVar (database versions not stated): ExAC 0.00001; gnomAD exomes 0.00001 and 0.00002; TOPMed 0.00007; ESP Exome Variant Server 0.00008; gnomAD 0.00009.
gnomAD v4.1: 23 of 1,605,768 alleles (0.0014%); highest among the groups gnomAD compares: African/African-American, 0.025%; no homozygotes.

Submissions (3):

Labcorp Genetics (formerly Invitae), Labcorp
Classification: Likely benign for Dystonia 12. Last evaluated: 2025-12-03. Review status: criteria provided, single submitter. Criteria: Invitae Variant Classification Sherloc (09022015). Collection method: clinical testing. Allele origin: germline.

Mayo Clinic Laboratories, Mayo Clinic
Classification: Likely benign. Last evaluated: 2025-03-24. Review status: criteria provided, single submitter. Criteria: ACMG Guidelines, 2015. Collection method: clinical testing. Allele origin: germline. Observed: 1 variant allele.
Comment: BP4, BP7

PreventionGenetics, part of Exact Sciences
Classification: Likely benign for ATP1A3-related condition. Last evaluated: 2019-06-17. Review status: no assertion criteria provided. Collection method: clinical testing. Allele origin: germline. Not counted in ClinVar's aggregate classification.
Comment: This variant is classified as likely benign based on ACMG/AMP sequence variant interpretation guidelines (Richards et al. 2015 PMID: 25741868, with internal and published modifications).

NM_152296.5(ATP1A3):c.993+9A>T

Gene: ATP1A3 (ATPase Na+/K+ transporting subunit alpha 3; minus strand). Cytogenetic location: 19q13.2.
Variant type: single nucleotide variant.
Coding change: c.993+9A>T on transcript NM_152296.5 (MANE Select); 9 bases into the intron after coding-DNA position 993, A replaced by T.
Molecular consequence: intron variant.
Genome position (GRCh38, 1-based): chr19:41,984,909, T>A on the plus strand (A>T on the coding strand, the complement: ATP1A3 is on the minus strand). VCF-style: chr19-41984909-T-A. GRCh37 (hg19) VCF-style: chr19-42489061-T-A.
Other names: p.?; c.1032+9A>T (NM_001256214.1, NM_001256214.2); c.1026+9A>T (NM_001256213.2).
Identifiers: ClinVar variation 1141571 (VCV001141571.12), dbSNP rs376821676, ClinGen allele CA9467754.